The following is an entry in ClinVar:

ClinVar aggregate classification (germline): Uncertain significance (1 of 4 stars; one submission).

Submission:

GeneDx
Classification: Uncertain significance. Last evaluated: 2024-02-06. Review status: criteria provided, single submitter. Criteria: GeneDx Variant Classification Process June 2021. Collection method: clinical testing. Allele origin: germline. Affected: yes.
Comment: Not observed at significant frequency in large population cohorts (gnomAD); In silico analysis supports that this missense variant does not alter protein structure/function; Has not been previously published as pathogenic or benign to our knowledge

NM_020922.5(WNK3):c.2632A>G (p.Thr878Ala)

Gene: WNK3 (WNK lysine deficient protein kinase 3; minus strand). Cytogenetic location: Xp11.22.
Variant type: single nucleotide variant.
Coding change: c.2632A>G on transcript NM_020922.5 (MANE Select); coding-DNA position 2632, A replaced by G.
Protein change: p.Thr878Ala; replaces threonine 878 with alanine.
Molecular consequence: missense variant.
Genome position (GRCh38, 1-based): chrX:54,250,075, T>C on the plus strand (A>G on the coding strand, the complement: WNK3 is on the minus strand). VCF-style: chrX-54250075-T-C. GRCh37 (hg19) VCF-style: chrX-54276508-T-C.
Other names: c.2632A>G, p.Thr878Ala (NM_001002838.4, NM_001395166.1); short protein forms T878A.
Identifiers: ClinVar variation 3368847 (VCV003368847.1).